The following is an entry in ClinVar:

ClinVar aggregate classification (germline): Conflicting classifications of pathogenicity. Review status: criteria provided, conflicting classifications (1 of 4 stars). 4 submissions from 4 submitters: Likely pathogenic (3); Uncertain significance (1). Last evaluated 2026-03-19.

Conditions:
RP1L1-related disorder. Also called: RP1L1-related condition.

Submissions (4):

PreventionGenetics, part of Exact Sciences
Classification: Likely pathogenic for RP1L1-related condition. Last evaluated: 2026-03-19. Review status: criteria provided, single submitter. Criteria: ACMG Guidelines, 2015. Collection method: clinical testing. Allele origin: germline.
Comment: The RP1L1 c.330delC variant is predicted to result in a frameshift and premature protein termination (p.Lys111Argfs*46). To our knowledge, this variant has not been reported in the literature. This variant is reported in 0.0085% of alleles in individuals of Latino descent in gnomAD. Frameshift variants in RP1L1 are expected to be pathogenic with respect to autosomal recessive disease (Noel et al. 2020. PubMed ID: 32360662). This variant is interpreted as likely pathogenic.

Dasa
Classification: Likely pathogenic. Last evaluated: 2025-02-21. Review status: criteria provided, single submitter. Criteria: DASA Assertion Criteria. Collection method: clinical testing. Allele origin: germline.
Comment: NM_178857.6(RP1L1):c.330del (p.Lys111Argfs*46) is a frameshift variant in RP1L1 predicted to alter the reading frame and introduce a premature termination codon and is predicted to result in an absent or altered protein product. Loss of function is an established disease mechanism for RP1L1-associated disorders. Also, this variant is rare in population databases. Based on the currently available evidence, this variant is classified as likely pathogenic.

Labcorp Genetics (formerly Invitae), Labcorp
Classification: Uncertain significance. Last evaluated: 2024-10-16. Review status: criteria provided, single submitter. Criteria: Invitae Variant Classification Sherloc (09022015). Collection method: clinical testing. Allele origin: germline.
Comment: This sequence change creates a premature translational stop signal (p.Lys111Argfs*46) in the RP1L1 gene. It is expected to result in an absent or disrupted protein product. However, the current clinical and genetic evidence is not sufficient to establish whether loss-of-function variants in RP1L1 cause disease. This variant is present in population databases (no rsID available, gnomAD 0.009%). This variant has not been reported in the literature in individuals affected with RP1L1-related conditions. ClinVar contains an entry for this variant (Variation ID: 1418504). In summary, the available evidence is currently insufficient to determine the role of this variant in disease. Therefore, it has been classified as a Variant of Uncertain Significance.

Blueprint Genetics
Classification: Likely pathogenic for RP1L1-related disorders. Last evaluated: 2024-03-09. Review status: criteria provided, single submitter. Criteria: ACMG Guidelines, 2015. Collection method: clinical testing. Allele origin: germline. Affected: yes. Observed: 3 variant alleles.

NM_178857.6(RP1L1):c.330del (p.Lys111fs)

Gene: RP1L1 (RP1 like 1). Cytogenetic location: 8p23.1.
Variant type: Deletion.
Coding change: c.330del on transcript NM_178857.6 (MANE Select); coding-DNA position 330, one base deleted.
Protein change: p.Lys111fs; shifts the reading frame from lysine 111.
Molecular consequence: frameshift variant.
Genome position: GRCh38 VCF-style: chr8-10622871-TG-T. GRCh37 (hg19) VCF-style: chr8-10480381-TG-T.
Other names: c.330delC (NM_178857.5); short protein forms K111fs.
Identifiers: ClinVar variation 1418504 (VCV001418504.10), dbSNP rs770312128, ClinGen allele CA580030624.